The following is an entry in ClinVar:

ClinVar aggregate classification (germline): Uncertain significance (1 of 4 stars; one submission).

Submission:

Labcorp Genetics (formerly Invitae), Labcorp
Classification: Uncertain significance. Last evaluated: 2022-07-28. Review status: criteria provided, single submitter. Criteria: Invitae Variant Classification Sherloc (09022015). Collection method: clinical testing. Allele origin: germline.
Comment: In summary, the available evidence is currently insufficient to determine the role of this variant in disease. Therefore, it has been classified as a Variant of Uncertain Significance. This sequence change replaces methionine, which is neutral and non-polar, with isoleucine, which is neutral and non-polar, at codon 434 of the PHEX protein (p.Met434Ile). This variant also falls at the last nucleotide of exon 11, which is part of the consensus splice site for this exon. This variant is not present in population databases (gnomAD no frequency). This variant has not been reported in the literature in individuals affected with PHEX-related conditions. Algorithms developed to predict the effect of missense changes on protein structure and function (SIFT, PolyPhen-2, Align-GVGD) all suggest that this variant is likely to be tolerated. Variants that disrupt the consensus splice site are a relatively common cause of aberrant splicing (PMID: 17576681, 9536098). Algorithms developed to predict the effect of sequence changes on RNA splicing suggest that this variant may disrupt the consensus splice site.

Literature cited by the submitters: PubMed 17576681; PubMed 9536098.

NM_000444.6(PHEX):c.1302G>A (p.Met434Ile)

Gene: PHEX (phosphate regulating endopeptidase X-linked; plus strand). Cytogenetic location: Xp22.11.
Variant type: single nucleotide variant.
Coding change: c.1302G>A on transcript NM_000444.6 (MANE Select); coding-DNA position 1302, G replaced by A.
Protein change: p.Met434Ile; replaces methionine 434 with isoleucine.
Molecular consequence: missense variant.
Genome position (GRCh38, 1-based): chrX:22,114,586, G>A. VCF-style: chrX-22114586-G-A. GRCh37 (hg19) VCF-style: chrX-22132704-G-A.
Other names: c.1302G>A, p.Met434Ile (NM_001282754.2); short protein forms M434I.
Identifiers: ClinVar variation 1935853 (VCV001935853.5), dbSNP rs2518520895, ClinGen allele CA412573810.